The following is an entry in ClinVar:

ClinVar aggregate classification (germline): Uncertain significance (1 of 4 stars; one submission).

Allele frequency attached by ClinVar (database versions not stated): gnomAD exomes below 0.00001.
gnomAD v4.1: 1 of 1,614,194 alleles (0.000062%); highest among the groups gnomAD compares: Admixed American, 0.0017%; no homozygotes.

Submission:

Labcorp Genetics (formerly Invitae), Labcorp
Classification: Uncertain significance. Last evaluated: 2024-02-05. Review status: criteria provided, single submitter. Criteria: Invitae Variant Classification Sherloc (09022015). Collection method: clinical testing. Allele origin: germline.
Comment: This sequence change replaces arginine, which is basic and polar, with glycine, which is neutral and non-polar, at codon 295 of the EIF2B3 protein (p.Arg295Gly). This variant is present in population databases (no rsID available, gnomAD 0.003%). This variant has not been reported in the literature in individuals affected with EIF2B3-related conditions. Advanced modeling of protein sequence and biophysical properties (such as structural, functional, and spatial information, amino acid conservation, physicochemical variation, residue mobility, and thermodynamic stability) performed at Invitae indicates that this missense variant is not expected to disrupt EIF2B3 protein function with a negative predictive value of 80%. In summary, the available evidence is currently insufficient to determine the role of this variant in disease. Therefore, it has been classified as a Variant of Uncertain Significance.

NM_020365.5(EIF2B3):c.883A>G (p.Arg295Gly)

Gene: EIF2B3 (eukaryotic translation initiation factor 2B subunit gamma; minus strand). Cytogenetic location: 1p34.1.
Variant type: single nucleotide variant.
Coding change: c.883A>G on transcript NM_020365.5 (MANE Select); coding-DNA position 883, A replaced by G.
Protein change: p.Arg295Gly; replaces arginine 295 with glycine.
Molecular consequence: missense variant.
Genome position (GRCh38, 1-based): chr1:44,879,910, T>C on the plus strand (A>G on the coding strand, the complement: EIF2B3 is on the minus strand). VCF-style: chr1-44879910-T-C. GRCh37 (hg19) VCF-style: chr1-45345582-T-C.
Other names: c.883A>G, p.Arg295Gly (NM_001166588.3, NM_001261418.2); short protein forms R295G.
Identifiers: ClinVar variation 2698691 (VCV002698691.3), dbSNP rs1221861482, ClinGen allele CA340119694.
Genomic context (GRCh38, chr1:44,879,910, plus strand): 5'-TGCTCACTCGAGAGCAGAGCCCCTCTTTCATGATGTGGACATAGCAGCGCACCTGTGATC[T>C]GGACAAGTCTTCCCACCTGTCTCCTCGACAGGCATTCCAGCAGGCATCATAGGGAGCCAG-3'
Protein context (NP_065098.1, residues 285-305): CRGDRWEDLS[Arg295Gly]SQVRCYVHIM